The following is an entry in ClinVar:

ClinVar aggregate classification (germline): Likely benign (1 of 4 stars; one submission).

gnomAD v4.1: 391 of 1,486,554 alleles (0.026%); highest among the groups gnomAD compares: African/African-American, 0.8%; 53 homozygotes.

Submission:

CeGaT Center for Human Genetics Tuebingen
Classification: Likely benign. Last evaluated: 2025-09-01. Review status: criteria provided, single submitter. Criteria: CeGaT Center For Human Genetics Tuebingen Variant Classification Criteria Version 2. Collection method: clinical testing. Allele origin: germline. Affected: yes. Observed: 1 variant allele.
Comment: PLIN4: BP4, BP7, BS2

NM_001367868.2(PLIN4):c.1296A>T (p.Thr432=)

Gene: PLIN4 (perilipin 4; minus strand). Cytogenetic location: 19p13.3.
Variant type: single nucleotide variant.
Coding change: c.1296A>T on transcript NM_001367868.2 (MANE Select); coding-DNA position 1296, A replaced by T.
Protein change: p.Thr432=; no amino-acid change (threonine 432 retained).
Molecular consequence: synonymous variant.
Genome position (GRCh38, 1-based): chr19:4,512,664, T>A on the plus strand (A>T on the coding strand, the complement: PLIN4 is on the minus strand). VCF-style: chr19-4512664-T-A. GRCh37 (hg19) VCF-style: chr19-4512676-T-A.
Other names: c.1299A>T, p.Thr433= (NM_001393888.1, NM_001393889.1); c.1296A>T, p.Thr432= (NM_001393890.1, NM_001393891.1).
Identifiers: ClinVar variation 4084070 (VCV004084070.8).